The following is an entry in ClinVar:

ClinVar aggregate classification (germline): Uncertain significance. Review status: criteria provided, multiple submitters, no conflicts (2 of 4 stars). 2 submissions from 2 submitters: Uncertain significance (2). Last evaluated 2025-10-17.

Conditions:
Hypertrophic cardiomyopathy. Also called: HYPERTROPHIC MYOCARDIOPATHY. Identifiers: Orphanet 217569, MedGen C0007194, MeSH D002312, MONDO:0005045, HP:0001639.

Allele frequency attached by ClinVar (database versions not stated): gnomAD exomes below 0.00001; ExAC 0.00001.
gnomAD v4.1: 3 of 1,613,584 alleles (0.00019%); highest among the groups gnomAD compares: Non-Finnish European, 0.00025%; no homozygotes.

Submissions (2):

Labcorp Genetics (formerly Invitae), Labcorp
Classification: Uncertain significance for Hypertrophic cardiomyopathy. Last evaluated: 2025-10-17. Review status: criteria provided, single submitter. Criteria: Invitae Variant Classification Sherloc (09022015). Collection method: clinical testing. Allele origin: germline.
Comment: This sequence change replaces isoleucine, which is neutral and non-polar, with threonine, which is neutral and polar, at codon 673 of the MYBPC3 protein (p.Ile673Thr). This variant is present in population databases (rs772364751, gnomAD 0.0009%). This variant has not been reported in the literature in individuals affected with MYBPC3-related conditions. ClinVar contains an entry for this variant (Variation ID: 3070365). An algorithm developed to predict the effect of missense changes on protein structure and function (PolyPhen-2) suggests that this variant is likely to be disruptive. In summary, the available evidence is currently insufficient to determine the role of this variant in disease. Therefore, it has been classified as a Variant of Uncertain Significance.

All of Us Research Program, National Institutes of Health
Classification: Uncertain significance for Hypertrophic cardiomyopathy. Last evaluated: 2023-04-10. Review status: criteria provided, single submitter. Criteria: ACMG Guidelines, 2015. Collection method: clinical testing. Allele origin: germline. Inheritance: Autosomal dominant inheritance. Observed: 1 variant allele, 1 heterozygote.
Comment: This missense variant replaces isoleucine with threonine at codon 673 of the MYBPC3 protein. Computational prediction suggests that this variant may have a deleterious impact on protein structure and function (internally defined REVEL score threshold >= 0.7, PMID: 27666373). To our knowledge, functional studies have not been reported for this variant. This variant has not been reported in individuals affected with MYBPC3-related disorders in the literature. This variant has been identified in 1/248636 chromosomes in the general population by the Genome Aggregation Database (gnomAD). The available evidence is insufficient to determine the role of this variant in disease conclusively. Therefore, this variant is classified as a Variant of Uncertain Significance.

This study involves interpretation of variants in research participants for the purpose of population health screening. Participant phenotype was not available at the time of variant classification. Additional details can be found in publication PMID: 35346344, PMCID: PMC8962531

NM_000256.3(MYBPC3):c.2018T>C (p.Ile673Thr)

Gene: MYBPC3 (myosin binding protein C3; minus strand). Cytogenetic location: 11p11.2.
Variant type: single nucleotide variant.
Coding change: c.2018T>C on transcript NM_000256.3 (MANE Select); coding-DNA position 2018, T replaced by C.
Protein change: p.Ile673Thr; replaces isoleucine 673 with threonine.
Molecular consequence: missense variant.
Genome position (GRCh38, 1-based): chr11:47,339,700, A>G on the plus strand (T>C on the coding strand, the complement: MYBPC3 is on the minus strand). VCF-style: chr11-47339700-A-G. GRCh37 (hg19) VCF-style: chr11-47361251-A-G.
Other names: short protein forms I673T.
Identifiers: ClinVar variation 3070365 (VCV003070365.2), dbSNP rs772364751, ClinGen allele CA078477.